The following is an entry in ClinVar:

ClinVar aggregate classification (germline): Uncertain significance (1 of 4 stars; one submission).

Conditions:
Charcot-Marie-Tooth disease dominant intermediate B (CMTDIB). Also called: CHARCOT-MARIE-TOOTH NEUROPATHY, DOMINANT INTERMEDIATE B; Charcot-Marie-Tooth disease dominant intermediate 1; CMT DI1; Charcot-Marie-Tooth disease dominant intermediate I. Identifiers: Orphanet 100044, Orphanet 228179, MedGen C1847902, MONDO:0011674, OMIM 606482.

Submission:

Labcorp Genetics (formerly Invitae), Labcorp
Classification: Uncertain significance for Charcot-Marie-Tooth disease dominant intermediate B. Last evaluated: 2022-11-15. Review status: criteria provided, single submitter. Criteria: Invitae Variant Classification Sherloc (09022015). Collection method: clinical testing. Allele origin: germline.
Comment: In summary, the available evidence is currently insufficient to determine the role of this variant in disease. Therefore, it has been classified as a Variant of Uncertain Significance. This variant has not been reported in the literature in individuals affected with DNM2-related conditions. This variant is not present in population databases (gnomAD no frequency). This sequence change creates a premature translational stop signal (p.Asp720Alafs*65) in the DNM2 gene. It is expected to result in an absent or disrupted protein product. However, the current clinical and genetic evidence is not sufficient to establish whether loss-of-function variants in DNM2 cause disease.

NM_001005361.3(DNM2):c.2159del (p.Asp720fs)

Gene: DNM2 (dynamin 2; plus strand). Cytogenetic location: 19p13.2.
Variant type: Deletion.
Coding change: c.2159del on transcript NM_001005361.3 (MANE Select); coding-DNA position 2159, one base deleted (A; older notation c.2159delA).
Protein change: p.Asp720fs; shifts the reading frame from aspartic acid 720.
Molecular consequence: frameshift variant.
Genome position (GRCh38, 1-based): chr19:10,829,136, A deleted. VCF-style (leftmost placement, unchanged base first): chr19-10829135-GA-G. GRCh37 (hg19) VCF-style: chr19-10939811-GA-G.
Other names: c.2159del, p.Asp720fs (NM_001005360.3, NM_001190716.2); c.2147del, p.Asp716fs (NM_001005362.3, NM_004945.4); short protein forms D716fs, D720fs.
Identifiers: ClinVar variation 2024347 (VCV002024347.4), dbSNP rs2513371851, ClinGen allele CA2580096204.
Genomic context (GRCh38, chr19:10,829,135, plus strand): 5'-TACTCCTCGGCAGACCAGAGCAGCCTCATGGAGGAGTCGGCTGACCAGGCACAGCGGCGG[GA>G]CGACATGCTGCGCATGTACCATGCCCTCAAGGAGGCGCTCAACATCATCGGTGACATCAG-3'